The following is an entry in ClinVar:

ClinVar aggregate classification (germline): Uncertain significance (1 of 4 stars; one submission).

Allele frequency attached by ClinVar (database versions not stated): ExAC 0.00001; TOPMed 0.00001; ESP Exome Variant Server 0.00008.
gnomAD v4.1: 5 of 1,603,026 alleles (0.00031%); highest among the groups gnomAD compares: Non-Finnish European, 0.00043%; no homozygotes.

Submission:

Labcorp Genetics (formerly Invitae), Labcorp
Classification: Uncertain significance. Last evaluated: 2021-11-06. Review status: criteria provided, single submitter. Criteria: Invitae Variant Classification Sherloc (09022015). Collection method: clinical testing. Allele origin: germline.
Comment: This sequence change replaces proline, which is neutral and non-polar, with alanine, which is neutral and non-polar, at codon 5078 of the PCLO protein (p.Pro5078Ala). This variant is present in population databases (rs368259583, gnomAD 0.007%). This variant has not been reported in the literature in individuals affected with PCLO-related conditions. Algorithms developed to predict the effect of missense changes on protein structure and function are either unavailable or do not agree on the potential impact of this missense change (SIFT: "Deleterious"; PolyPhen-2: "Not Available"; Align-GVGD: "Class C0"). In summary, the available evidence is currently insufficient to determine the role of this variant in disease. Therefore, it has been classified as a Variant of Uncertain Significance.

NM_033026.6(PCLO):c.15232C>G (p.Pro5078Ala)

Gene: PCLO (piccolo presynaptic cytomatrix protein; minus strand). Cytogenetic location: 7q21.11.
Variant type: single nucleotide variant.
Coding change: c.15232C>G on transcript NM_033026.6 (MANE Select); coding-DNA position 15232, C replaced by G.
Protein change: p.Pro5078Ala; replaces proline 5078 with alanine.
Molecular consequence: missense variant.
Genome position (GRCh38, 1-based): chr7:82,760,695, G>C on the plus strand (C>G on the coding strand, the complement: PCLO is on the minus strand). VCF-style: chr7-82760695-G-C. GRCh37 (hg19) VCF-style: chr7-82390011-G-C.
Other names: short protein forms P5078A.
Identifiers: ClinVar variation 1397745 (VCV001397745.3), dbSNP rs368259583, ClinGen allele CA4318585.